The following is an entry in ClinVar:

ClinVar aggregate classification (germline): Uncertain significance. Review status: criteria provided, multiple submitters, no conflicts (2 of 4 stars). 2 submissions from 2 submitters: Uncertain significance (2). Last evaluated 2024-04-29.

Conditions:
Spondylometaphyseal dysplasia - Sutcliffe type. Also called: Spondylometaphyseal dysplasia, 'corner fracture' type; Spondylometaphyseal Dysplasia, Corner Fracture Type; Sutcliffe type of spondylometaphyseal dysplasia; Sutcliffe SMD. Identifiers: Orphanet 93315, MedGen C0432221, MONDO:0008479, OMIM 184255.
Glomerulopathy with fibronectin deposits 2 (GFND2). Identifiers: Orphanet 84090, MedGen C1866075, MONDO:0011165, OMIM 601894.

Allele frequency attached by ClinVar (database versions not stated): gnomAD exomes below 0.00001; ExAC 0.00001.
gnomAD v4.1: 6 of 1,613,762 alleles (0.00037%); highest among the groups gnomAD compares: Middle Eastern, 0.069%; no homozygotes.

Submissions (2):

Labcorp Genetics (formerly Invitae), Labcorp
Classification: Uncertain significance. Last evaluated: 2024-04-29. Review status: criteria provided, single submitter. Criteria: Invitae Variant Classification Sherloc (09022015). Collection method: clinical testing. Allele origin: germline.
Comment: This sequence change falls in intron 14 of the FN1 gene. It does not directly change the encoded amino acid sequence of the FN1 protein. It affects a nucleotide within the consensus splice site. This variant is present in population databases (rs761852573, gnomAD 0.0008%). This variant has not been reported in the literature in individuals affected with FN1-related conditions. ClinVar contains an entry for this variant (Variation ID: 1517864). Variants that disrupt the consensus splice site are a relatively common cause of aberrant splicing (PMID: 17576681, 9536098). Algorithms developed to predict the effect of sequence changes on RNA splicing suggest that this variant is not likely to affect RNA splicing. In summary, the available evidence is currently insufficient to determine the role of this variant in disease. Therefore, it has been classified as a Variant of Uncertain Significance.

Fulgent Genetics
Classification: Uncertain significance for Spondylometaphyseal dysplasia - Sutcliffe type; Glomerulopathy with fibronectin deposits 2. Last evaluated: 2024-02-28. Review status: criteria provided, single submitter. Criteria: ACMG Guidelines, 2015. Collection method: clinical testing. Allele origin: germline.

Literature cited by the submitters: PubMed 17576681 (cited by Labcorp Genetics (formerly Invitae), Labcorp); PubMed 9536098 (cited by Labcorp Genetics (formerly Invitae), Labcorp).

NM_212482.4(FN1):c.2122+4T>C

Gene: FN1 (fibronectin 1; minus strand). Cytogenetic location: 2q35.
Variant type: single nucleotide variant.
Coding change: c.2122+4T>C on transcript NM_212482.4 (MANE Select); 4 bases into the intron after coding-DNA position 2122, T replaced by C.
Molecular consequence: intron variant.
Genome position (GRCh38, 1-based): chr2:215,409,930, A>G on the plus strand (T>C on the coding strand, the complement: FN1 is on the minus strand). VCF-style: chr2-215409930-A-G. GRCh37 (hg19) VCF-style: chr2-216274653-A-G.
Other names: c.2122+4T>C (NM_212474.3, NM_001306132.2, NM_001365523.2 and 13 more transcripts).
Identifiers: ClinVar variation 1517864 (VCV001517864.7), dbSNP rs761852573, ClinGen allele CA2095077.